The following is an entry in ClinVar:

NM_018489.3(ASH1L):c.3271C>T (p.Pro1091Ser)

Gene: ASH1L (ASH1 like histone lysine methyltransferase; minus strand). Cytogenetic location: 1q22.
Variant type: single nucleotide variant.
Coding change: c.3271C>T on transcript NM_018489.3 (MANE Select); coding-DNA position 3271, C replaced by T.
Protein change: p.Pro1091Ser; replaces proline 1091 with serine.
Molecular consequence: missense variant.
Genome position (GRCh38, 1-based): chr1:155,479,599, G>A on the plus strand (C>T on the coding strand, the complement: ASH1L is on the minus strand). VCF-style: chr1-155479599-G-A. GRCh37 (hg19) VCF-style: chr1-155449390-G-A.
Other names: c.3271C>T, p.Pro1091Ser (NM_001366177.2); short protein forms P1091S.
Identifiers: ClinVar variation 4085009 (VCV004085009.8).

ClinVar aggregate classification (germline): Likely benign (1 of 4 stars; one submission).

gnomAD v4.1: 28 of 1,614,070 alleles (0.0017%); highest among the groups gnomAD compares: Admixed American, 0.0033%; no homozygotes.

Submission:

CeGaT Center for Human Genetics Tuebingen
Classification: Likely benign. Last evaluated: 2025-07-01. Review status: criteria provided, single submitter. Criteria: CeGaT Center For Human Genetics Tuebingen Variant Classification Criteria Version 2. Collection method: clinical testing. Allele origin: germline. Affected: yes. Observed: 1 variant allele.
Comment: ASH1L: BP4